The following is an entry in ClinVar:

NM_000330.4(RS1):c.407T>A (p.Ile136Asn)

Genes: CDKL5 (cyclin dependent kinase like 5; plus strand), RS1 (retinoschisin 1; minus strand). Cytogenetic location: Xp22.13.
Variant type: single nucleotide variant.
Coding change: c.407T>A on transcript NM_000330.4 (MANE Select); coding-DNA position 407, T replaced by A.
Protein change: p.Ile136Asn; replaces isoleucine 136 with asparagine.
Molecular consequence: missense variant. On other transcripts: intron variant (2).
Genome position (GRCh38, 1-based): chrX:18,644,545, A>T on the plus strand (T>A on the coding strand, the complement: RS1 is on the minus strand). VCF-style: chrX-18644545-A-T. GRCh37 (hg19) VCF-style: chrX-18662665-A-T.
Other names: c.2714-1462A>T (NM_003159.3, NM_001037343.2); short protein forms I136N.
Identifiers: ClinVar variation 2702288 (VCV002702288.3), dbSNP rs61752153, ClinGen allele CA412371967.

ClinVar aggregate classification (germline): Likely pathogenic (1 of 4 stars; one submission).

Submission:

Labcorp Genetics (formerly Invitae), Labcorp
Classification: Likely pathogenic. Last evaluated: 2023-12-12. Review status: criteria provided, single submitter. Criteria: Invitae Variant Classification Sherloc (09022015). Collection method: clinical testing. Allele origin: germline.
Comment: This sequence change replaces isoleucine, which is neutral and non-polar, with asparagine, which is neutral and polar, at codon 136 of the RS1 protein (p.Ile136Asn). This variant is not present in population databases (gnomAD no frequency). This variant has not been reported in the literature in individuals affected with RS1-related conditions. Advanced modeling of protein sequence and biophysical properties (such as structural, functional, and spatial information, amino acid conservation, physicochemical variation, residue mobility, and thermodynamic stability) performed at Invitae indicates that this missense variant is expected to disrupt RS1 protein function with a positive predictive value of 95%. This variant disrupts the p.Ile136 amino acid residue in RS1. Other variant(s) that disrupt this residue have been determined to be pathogenic (PMID: 9618178, 20061330; Invitae). This suggests that this residue is clinically significant, and that variants that disrupt this residue are likely to be disease-causing. In summary, the currently available evidence indicates that the variant is pathogenic, but additional data are needed to prove that conclusively. Therefore, this variant has been classified as Likely Pathogenic.

Literature cited by the submitters: PubMed 9618178; PubMed 20061330.